The following is an entry in ClinVar:

ClinVar aggregate classification (germline): Pathogenic/Likely pathogenic. Review status: criteria provided, multiple submitters, no conflicts (2 of 4 stars). 4 submissions from 4 submitters: Pathogenic (3); Likely pathogenic (1). Last evaluated 2025-04-20.

Conditions:
Hereditary cancer-predisposing syndrome. Also called: Neoplastic Syndromes, Hereditary; Hereditary neoplastic syndrome; Tumor predisposition; Hereditary Cancer Syndrome. Identifiers: Orphanet 140162, MedGen C0027672, MeSH D009386, MONDO:0015356.
Familial cancer of breast. Also called: BREAST CANCER, FAMILIAL; Hereditary breast cancer; hereditary breast carcinoma. Identifiers: Orphanet 227535, MedGen C0346153, MONDO:0016419, OMIM 114480. Disease mechanism: loss of function.
Ataxia-telangiectasia syndrome (AT). Also called: Ataxia-telangiectasia, complementation group D; ATAXIA-TELANGIECTASIA, COMPLEMENTATION GROUP A; ATAXIA-TELANGIECTASIA, FRESNO VARIANT; Ataxia-telangiectasia; LOUIS-BAR SYNDROME; AT, COMPLEMENTATION GROUP C. Identifiers: Orphanet 100, MedGen C0004135, MONDO:0008840, OMIM 208900.

Submissions (4):

Labcorp Genetics (formerly Invitae), Labcorp
Classification: Pathogenic for Ataxia-telangiectasia syndrome. Last evaluated: 2025-04-20. Review status: criteria provided, single submitter. Criteria: Invitae Variant Classification Sherloc (09022015). Collection method: clinical testing. Allele origin: germline.
Comment: This sequence change creates a premature translational stop signal (p.Asn429Valfs*7) in the ATM gene. It is expected to result in an absent or disrupted protein product. Loss-of-function variants in ATM are known to be pathogenic (PMID: 23807571, 25614872). This variant is not present in population databases (gnomAD no frequency). This premature translational stop signal has been observed in individual(s) with a pancreatic tumor (PMID: 29506128). ClinVar contains an entry for this variant (Variation ID: 545804). For these reasons, this variant has been classified as Pathogenic.

Ambry Genetics
Classification: Pathogenic for Hereditary cancer-predisposing syndrome. Last evaluated: 2024-03-28. Review status: criteria provided, single submitter. Criteria: Ambry Variant Classification Scheme 2023. Collection method: clinical testing. Allele origin: germline.
Comment: The c.1285_1288delAACT pathogenic mutation, located in coding exon 9 of the ATM gene, results from a deletion of 4 nucleotides at nucleotide positions 1285 to 1288, causing a translational frameshift with a predicted alternate stop codon (p.N429Vfs*7). This variant was detected in 1/5589 German BRCA1/2-negative probands with breast cancer (Hauke J et al. Cancer Med, 2018 Apr;7:1349-1358). This variant was also reported in 1/615 unselected patients with a diagnosis of exocrine pancreatic neoplasm (Lowery MA et al. J Natl Cancer Inst, 2018 Oct;110:1067-1074). In addition to the clinical data presented in the literature, this alteration is expected to result in loss of function by premature protein truncation or nonsense-mediated mRNA decay. As such, this alteration is interpreted as a disease-causing mutation.

Myriad Genetics, Inc.
Classification: Pathogenic for Familial cancer of breast. Last evaluated: 2024-01-16. Review status: criteria provided, single submitter. Criteria: Myriad Autosomal Dominant, Autosomal Recessive and X-Linked Classification Criteria (2023). Collection method: clinical testing. Allele origin: unknown.
Comment: This variant is considered pathogenic. This variant creates a frameshift predicted to result in premature protein truncation.

GeneDx
Classification: Likely pathogenic. Last evaluated: 2017-07-17. Review status: criteria provided, single submitter. Criteria: GeneDx Variant Classification (06012015). Collection method: clinical testing. Allele origin: germline. Affected: yes.
Comment: This deletion of four nucleotides in ATM is denoted c.1285_1288delAACT at the cDNA level and p.Asn429ValfsX7 (N429VfsX7) at the protein level. The normal sequence, with the bases that are deleted in brackets, is ACCT[delAACT]GTGA. The deletion causes a frameshift which changes an Asparagine to a Valine at codon 429, and creates a premature stop codon at position 7 of the new reading frame. Although this variant has not, to our knowledge, been reported in the literature, it is predicted to cause loss of normal protein function through either protein truncation or nonsense-mediated mRNA decay. Based on the currently available information, we consider this deletion to be a likely pathogenic variant.

Literature cited by the submitters: PubMed 23807571 (cited by Labcorp Genetics (formerly Invitae), Labcorp); PubMed 25614872 (cited by Labcorp Genetics (formerly Invitae), Labcorp); PubMed 29506128 (cited by Labcorp Genetics (formerly Invitae), Labcorp and Ambry Genetics); PubMed 29522266 (cited by Ambry Genetics).

NM_000051.4(ATM):c.1285_1288del (p.Asn429fs)

Gene: ATM (ATM serine/threonine kinase; plus strand). Cytogenetic location: 11q22.3.
Variant type: Deletion.
Coding change: c.1285_1288del on transcript NM_000051.4 (MANE Select); coding-DNA positions 1285 to 1288, 4 bases deleted (AACT; older notation c.1285_1288delAACT).
Protein change: p.Asn429fs; shifts the reading frame from asparagine 429.
Molecular consequence: frameshift variant.
Genome position (GRCh38, 1-based): chr11:108,250,750-108,250,753, AACT deleted; deleting any 4 consecutive bases within chr11:108,250,748-108,250,753 gives the same sequence; the c. name uses the placement nearest the transcript's 3' end. VCF-style (leftmost placement, unchanged base first): chr11-108250747-CCTAA-C. GRCh37 (hg19) VCF-style: chr11-108121474-CCTAA-C.
Other names: c.1285_1288delAACT (NM_000051.3); c.1285_1288del, p.Asn429fs (NM_001351834.2); short protein forms N429fs.
Identifiers: ClinVar variation 545804 (VCV000545804.9), dbSNP rs1555070694, ClinGen allele CA645569706.